The following is an entry in ClinVar:

NM_001231.5(CASQ1):c.1059T>C (p.Asp353=)

Gene: CASQ1 (calsequestrin 1; plus strand). Cytogenetic location: 1q23.2.
Variant type: single nucleotide variant.
Coding change: c.1059T>C on transcript NM_001231.5 (MANE Select); coding-DNA position 1059, T replaced by C.
Protein change: p.Asp353=; no amino-acid change (aspartic acid 353 retained).
Molecular consequence: synonymous variant.
Genome position (GRCh38, 1-based): chr1:160,199,925, T>C. VCF-style: chr1-160199925-T-C. GRCh37 (hg19) VCF-style: chr1-160169715-T-C.
Identifiers: ClinVar variation 2868048 (VCV002868048.3), dbSNP rs372635759, ClinGen allele CA1196442.
Genomic context (GRCh38, chr1:160,199,925, plus strand): 5'-GGAGAAGACGTTTGACATCGACTTGTCAGCCCCACAAATAGGAGTCGTCAATGTTACTGA[T>C]GTGAGTTTCCTGTCCTCATCCCGGGTTGACCCCCGACTCTACTTCCTAGCATAGCTAGCT-3'
Protein context (NP_001222.3, residues 343-363): APQIGVVNVT[Asp353=]ADSVWMEMDD

ClinVar aggregate classification (germline): Uncertain significance (1 of 4 stars; one submission).

Allele frequency attached by ClinVar (database versions not stated): gnomAD exomes below 0.00001; ExAC 0.00001; TOPMed 0.00001; ESP Exome Variant Server 0.00008.
gnomAD v4.1: 5 of 1,607,600 alleles (0.00031%); highest among the groups gnomAD compares: Non-Finnish European, 0.00043%; no homozygotes.

Submission:

Labcorp Genetics (formerly Invitae), Labcorp
Classification: Uncertain significance. Last evaluated: 2023-06-24. Review status: criteria provided, single submitter. Criteria: Invitae Variant Classification Sherloc (09022015). Collection method: clinical testing. Allele origin: germline.
Comment: This sequence change affects codon 353 of the CASQ1 mRNA. It is a 'silent' change, meaning that it does not change the encoded amino acid sequence of the CASQ1 protein. It affects a nucleotide within the consensus splice site. In summary, the available evidence is currently insufficient to determine the role of this variant in disease. Therefore, it has been classified as a Variant of Uncertain Significance. Algorithms developed to predict the effect of sequence changes on RNA splicing suggest that this variant is not likely to affect RNA splicing. This variant has not been reported in the literature in individuals affected with CASQ1-related conditions. This variant is present in population databases (rs372635759, gnomAD 0.0009%).